The following is an entry in ClinVar:

ClinVar aggregate classification (germline): Uncertain significance (1 of 4 stars; one submission).

Conditions:
Combined immunodeficiency due to DOCK8 deficiency (HIES2). Also called: HYPER-IgE RECURRENT INFECTION SYNDROME 2, AUTOSOMAL RECESSIVE; HYPER-IgE SYNDROME 2, AUTOSOMAL RECESSIVE, WITH RECURRENT INFECTIONS; HIES autosomal recessive; Hyper-IgE recurrent infection syndrome, autosomal recessive; DOCK8 Deficiency. Identifiers: Orphanet 217390, MedGen C4722305, MONDO:0009478, OMIM 243700.

gnomAD v4.1: 1 of 1,609,530 alleles (0.000062%); highest among the groups gnomAD compares: Non-Finnish European, 0.000085%; no homozygotes.

Submission:

Labcorp Genetics (formerly Invitae), Labcorp
Classification: Uncertain significance for Combined immunodeficiency due to DOCK8 deficiency. Last evaluated: 2024-06-12. Review status: criteria provided, single submitter. Criteria: Invitae Variant Classification Sherloc (09022015). Collection method: clinical testing. Allele origin: germline.
Comment: This sequence change falls in intron 14 of the DOCK8 gene. It does not directly change the encoded amino acid sequence of the DOCK8 protein. It affects a nucleotide within the consensus splice site. This variant is not present in population databases (gnomAD no frequency). This variant has not been reported in the literature in individuals affected with DOCK8-related conditions. Variants that disrupt the consensus splice site are a relatively common cause of aberrant splicing (PMID: 17576681, 9536098). Algorithms developed to predict the effect of sequence changes on RNA splicing suggest that this variant is not likely to affect RNA splicing. In summary, the available evidence is currently insufficient to determine the role of this variant in disease. Therefore, it has been classified as a Variant of Uncertain Significance.

Literature cited by the submitters: PubMed 17576681; PubMed 9536098.

NM_203447.4(DOCK8):c.1680-3C>T

Gene: DOCK8 (dedicator of cytokinesis 8; plus strand). Cytogenetic location: 9p24.3.
Variant type: single nucleotide variant.
Coding change: c.1680-3C>T on transcript NM_203447.4 (MANE Select); 3 bases into the intron before coding-DNA position 1680, C replaced by T.
Molecular consequence: intron variant.
Genome position (GRCh38, 1-based): chr9:368,015, C>T. VCF-style: chr9-368015-C-T. GRCh37 (hg19) VCF-style: chr9-368015-C-T.
Other names: c.1476-3C>T (NM_001193536.2, NM_001190458.2).
Identifiers: ClinVar variation 3698643 (VCV003698643.2).